The following is an entry in ClinVar:

ClinVar aggregate classification (germline): Uncertain significance (1 of 4 stars; one submission).

Submission:

GeneDx
Classification: Uncertain significance. Last evaluated: 2024-06-17. Review status: criteria provided, single submitter. Criteria: GeneDx Variant Classification Process June 2021. Collection method: clinical testing. Allele origin: germline. Affected: yes.
Comment: Not observed at significant frequency in large population cohorts (gnomAD); In silico analysis indicates that this missense variant does not alter protein structure/function; Has not been previously published as pathogenic or benign to our knowledge

NM_006421.5(ARFGEF1):c.1082T>G (p.Ile361Arg)

Gene: ARFGEF1 (ARF guanine nucleotide exchange factor 1; minus strand). Cytogenetic location: 8q13.2.
Variant type: single nucleotide variant.
Coding change: c.1082T>G on transcript NM_006421.5 (MANE Select); coding-DNA position 1082, T replaced by G.
Protein change: p.Ile361Arg; replaces isoleucine 361 with arginine.
Molecular consequence: missense variant. On other transcripts: non-coding transcript variant (1), intron variant (1).
Genome position (GRCh38, 1-based): chr8:67,277,403, A>C on the plus strand (T>G on the coding strand, the complement: ARFGEF1 is on the minus strand). VCF-style: chr8-67277403-A-C. GRCh37 (hg19) VCF-style: chr8-68189638-A-C.
Other names: c.1082T>G, p.Ile361Arg (NM_001413184.1, NM_001413185.1, NM_001413186.1 and 7 more transcripts); c.482T>G, p.Ile161Arg (NM_001413188.1, NM_001413193.1, NM_001413197.1); c.-88-5467T>G (NM_001413196.1); short protein forms I161R, I361R.
Identifiers: ClinVar variation 3391605 (VCV003391605.1).
Genomic context (GRCh38, chr8:67,277,403, plus strand): 5'-GAAATTGGTGTTCCTGGAATTCCATTTGCTTGAATATTTTCACTGTCACTACCATCCTCT[A>C]TAGTTCCAATGTTGCCATCTGCACTTGCATTTATAGTAGTCCCTTCTCCCATATCTAAAA-3'
Protein context (NP_006412.2, residues 351-371): NASADGNIGT[Ile361Arg]EDGSDSENIQ